The following is an entry in ClinVar:

ClinVar aggregate classification (germline): Uncertain significance (1 of 4 stars; one submission).

Submission:

Labcorp Genetics (formerly Invitae), Labcorp
Classification: Uncertain significance. Last evaluated: 2022-05-18. Review status: criteria provided, single submitter. Criteria: Invitae Variant Classification Sherloc (09022015). Collection method: clinical testing. Allele origin: germline.
Comment: This sequence change replaces valine, which is neutral and non-polar, with leucine, which is neutral and non-polar, at codon 5330 of the ADGRV1 protein (p.Val5330Leu). This variant is not present in population databases (gnomAD no frequency). This variant has not been reported in the literature in individuals affected with ADGRV1-related conditions. Algorithms developed to predict the effect of missense changes on protein structure and function output the following: SIFT: "Tolerated"; PolyPhen-2: "Possibly Damaging"; Align-GVGD: "Class C0". The leucine amino acid residue is found in multiple mammalian species, which suggests that this missense change does not adversely affect protein function. In summary, the available evidence is currently insufficient to determine the role of this variant in disease. Therefore, it has been classified as a Variant of Uncertain Significance.

NM_032119.4(ADGRV1):c.15988G>C (p.Val5330Leu)

Gene: ADGRV1 (adhesion G protein-coupled receptor V1; plus strand). Cytogenetic location: 5q14.3.
Variant type: single nucleotide variant.
Coding change: c.15988G>C on transcript NM_032119.4 (MANE Select); coding-DNA position 15988, G replaced by C.
Protein change: p.Val5330Leu; replaces valine 5330 with leucine.
Molecular consequence: missense variant. On other transcripts: non-coding transcript variant (1).
Genome position (GRCh38, 1-based): chr5:90,811,248, G>C. VCF-style: chr5-90811248-G-C. GRCh37 (hg19) VCF-style: chr5-90107065-G-C.
Other names: short protein forms V5330L.
Identifiers: ClinVar variation 2038043 (VCV002038043.4), dbSNP rs766818742, ClinGen allele CA360411459.
Genomic context (GRCh38, chr5:90,811,248, plus strand): 5'-CGTAAAGTATCAGTTCAAATTTTGGATGATGATGAGCCTGAGGGGCAGGAATTCTTCTAC[G>C]TGTTTCTCACAAACCCTCAAGGGGGAGCACAGATTGTGGAGGAGAAGGATGATACTGGAT-3'
Protein context (NP_115495.3, residues 5320-5340): DEPEGQEFFY[Val5330Leu]FLTNPQGGAQ